The following is an entry in ClinVar:

ClinVar aggregate classification (germline): Uncertain significance (1 of 4 stars; one submission).

Conditions:
Donnai-Barrow syndrome. Also called: DBS/FOAR SYNDROME; FACIOOCULOACOUSTICORENAL SYNDROME. Identifiers: Orphanet 2143, MedGen C1857277, MONDO:0009104, OMIM 222448.

Submission:

Myriad Genetics, Inc.
Classification: Uncertain significance for Donnai-Barrow syndrome. Last evaluated: 2026-06-23. Review status: criteria provided, single submitter. Criteria: Myriad Autosomal Dominant, Autosomal Recessive and X-Linked Classification Criteria (2023). Collection method: clinical testing. Allele origin: unknown.
Comment: NM_004525.2(LRP2):c.10170-15_10170-12delTGCTinsGGCA is an intronic variant classified as a variant of uncertain significance in the context of Donnai-Barrow syndrome. c.10170-15_10170-12delTGCTinsGGCA has not been observed in cases with relevant disease. Relevant functional assessments of this variant are not available in the literature. c.10170-15_10170-12delTGCTinsGGCA has not been observed in referenced population frequency databases. In summary, there is insufficient evidence to classify NM_004525.2(LRP2):c.10170-15_10170-12delTGCTinsGGCA as pathogenic or benign. Please note: this variant was assessed in the context of healthy population screening.

NM_004525.3(LRP2):c.10170-15_10170-12delinsGGCA

Gene: LRP2 (LDL receptor related protein 2; minus strand). Cytogenetic location: 2q31.1.
Variant type: Indel.
Coding change: c.10170-15_10170-12delinsGGCA on transcript NM_004525.3 (MANE Select); 15 bases into the intron before coding-DNA position 10170 through 12 bases into the intron before coding-DNA position 10170, TGCT replaced by GGCA.
Molecular consequence: intron variant.
Genome position (GRCh38, 1-based): chr2:169,178,038-169,178,041, AGCA replaced by TGCC on the plus strand (TGCT replaced by GGCA on the coding strand, the reverse complement: LRP2 is on the minus strand). VCF-style: chr2-169178038-AGCA-TGCC. GRCh37 (hg19) VCF-style: chr2-170034548-AGCA-TGCC.
Identifiers: ClinVar variation 5004265 (VCV005004265.1).